The following is an entry in ClinVar:

NM_005732.4(RAD50):c.362C>G (p.Thr121Arg)

Gene: RAD50 (RAD50 double strand break repair protein; plus strand). Cytogenetic location: 5q31.1.
Variant type: single nucleotide variant.
Coding change: c.362C>G on transcript NM_005732.4 (MANE Select); coding-DNA position 362, C replaced by G.
Protein change: p.Thr121Arg; replaces threonine 121 with arginine.
Molecular consequence: missense variant.
Genome position (GRCh38, 1-based): chr5:132,575,925, C>G. VCF-style: chr5-132575925-C-G. GRCh37 (hg19) VCF-style: chr5-131911617-C-G.
Other names: short protein forms T121R.
Identifiers: ClinVar variation 2451423 (VCV002451423.2), dbSNP rs2479608540, ClinGen allele CA360931502.

ClinVar aggregate classification (germline): Uncertain significance (1 of 4 stars; one submission).

Conditions:
Hereditary cancer-predisposing syndrome. Also called: Neoplastic Syndromes, Hereditary; Tumor predisposition; Hereditary neoplastic syndrome; Hereditary Cancer Syndrome. Identifiers: Orphanet 140162, MedGen C0027672, MeSH D009386, MONDO:0015356.

Submission:

Ambry Genetics
Classification: Uncertain significance for Hereditary cancer-predisposing syndrome. Last evaluated: 2023-01-23. Review status: criteria provided, single submitter. Criteria: Ambry Variant Classification Scheme 2023. Collection method: clinical testing. Allele origin: germline.
Comment: The p.T121R variant (also known as c.362C>G), located in coding exon 3 of the RAD50 gene, results from a C to G substitution at nucleotide position 362. The threonine at codon 121 is replaced by arginine, an amino acid with similar properties. This amino acid position is conserved. In addition, this alteration is predicted to be tolerated by in silico analysis. Since supporting evidence is limited at this time, the clinical significance of this alteration remains unclear.